The following is an entry in ClinVar:

ClinVar aggregate classification (germline): Likely pathogenic (1 of 4 stars; one submission).

Conditions:
Ellis-van Creveld syndrome (EVC). Also called: EVC-Related Ellis-van Creveld Syndrome; EVC2-Related Ellis-van Creveld Syndrome; MESOECTODERMAL DYSPLASIA; Chondroectodermal dysplasia. Identifiers: Orphanet 289, MedGen C0013903, MONDO:0009162, OMIM 225500.

Allele frequency attached by ClinVar (database versions not stated): gnomAD exomes below 0.00001; TOPMed 0.00001.

Submission:

Myriad Genetics, Inc.
Classification: Likely pathogenic for Ellis-van Creveld syndrome. Last evaluated: 2021-11-23. Review status: criteria provided, single submitter. Criteria: Myriad Women's Health Autosomal Recessive and X-Linked Classification Criteria (2021). Collection method: clinical testing. Allele origin: unknown.
Comment: NM_153717.2(EVC):c.1409delA(Q470Rfs*30) is expected to be pathogenic in the context of EVC-related Ellis-van Creveld syndrome. This variant is predicted to lead to an abnormal or absent protein product due to the creation of a premature termination codon in EVC, a gene where loss-of-function variants are known to be pathogenic. Please note: this variant was assessed in the context of healthy population screening.

NM_153717.3(EVC):c.1409del (p.Gln470fs)

Gene: EVC (EvC ciliary complex subunit 1; plus strand). Cytogenetic location: 4p16.2.
Variant type: Deletion.
Coding change: c.1409del on transcript NM_153717.3 (MANE Select); coding-DNA position 1409, one base deleted (A; older notation c.1409delA).
Protein change: p.Gln470fs; shifts the reading frame from glutamine 470.
Molecular consequence: frameshift variant.
Genome position (GRCh38, 1-based): chr4:5,753,878, A deleted. VCF-style (leftmost placement, unchanged base first): chr4-5753877-CA-C. GRCh37 (hg19) VCF-style: chr4-5755604-CA-C.
Other names: c.1409del, p.Gln470fs (NM_001306090.2, NM_001306092.2); short protein forms Q470fs.
Identifiers: ClinVar variation 1724887 (VCV001724887.2), dbSNP rs1388794781, ClinGen allele CA796586543.
Genomic context (GRCh38, chr4:5,753,877, plus strand): 5'-GCGTCTCTGGCTCACCAGGTGGAGGGAACGGCAAAACTCACGCTGGCCCAAGAGGAGGAA[CA>C]GAGAAGCTTCCTGGCTGAGGCCCAGCCGACTGCTGACCCGGAAAAGTTTCTCGAGGTGAC-3'